The following is an entry in ClinVar:

ClinVar aggregate classification (germline): Conflicting classifications of pathogenicity. Review status: criteria provided, conflicting classifications (1 of 4 stars). 3 submissions from 3 submitters: Pathogenic (1); Uncertain significance (1). 1 of the submissions does not count toward it. Last evaluated 2025-07-14.

Conditions:
Telangiectasia, hereditary hemorrhagic, type 2 (HHT2). Also called: ACVRL1-Related Hereditary Hemorrhagic Telangiectasia; Telangiectasia, hereditary hemorrhagic, type II. Identifiers: Orphanet 774, MedGen C1838163, MONDO:0010880, OMIM 600376. Disease mechanism: loss of function.
Pulmonary hypertension, primary, 1 (PPH1). Also called: Pulmonary hypertension, familial primary, 1, with or without HHT. Identifiers: Orphanet 422, MedGen C4552070, MONDO:0024533, OMIM 178600.

Submissions (3):

Labcorp Genetics (formerly Invitae), Labcorp
Classification: Pathogenic for Telangiectasia, hereditary hemorrhagic, type 2. Last evaluated: 2025-07-14. Review status: criteria provided, single submitter. Criteria: Invitae Variant Classification Sherloc (09022015). Collection method: clinical testing. Allele origin: germline.
Comment: This sequence change replaces isoleucine, which is neutral and non-polar, with threonine, which is neutral and polar, at codon 317 of the ACVRL1 protein (p.Ile317Thr). This variant is not present in population databases (gnomAD no frequency). This missense change has been observed in individuals with ACVRL1-related conditions (PMID: 23298310, 31727138; internal data). ClinVar contains an entry for this variant (Variation ID: 426021). Invitae Evidence Modeling of protein sequence and biophysical properties (such as structural, functional, and spatial information, amino acid conservation, physicochemical variation, residue mobility, and thermodynamic stability) indicates that this missense variant is expected to disrupt ACVRL1 protein function with a positive predictive value of 95%. For these reasons, this variant has been classified as Pathogenic.

Mayo Clinic Laboratories, Mayo Clinic
Classification: Uncertain significance. Last evaluated: 2019-09-02. Review status: criteria provided, single submitter. Criteria: ACMG Guidelines, 2015. Collection method: clinical testing. Allele origin: germline. Observed: 1 variant allele.

Rare Disease Genomics Group, St George's University of London
Classification: Pathogenic for Primary pulmonary hypertension. Review status: no assertion criteria provided. Collection method: literature only. Allele origin: germline. Affected: yes. Not counted in ClinVar's aggregate classification.

Literature cited by the submitters: PubMed 23298310 (cited by Labcorp Genetics (formerly Invitae), Labcorp and Rare Disease Genomics Group, St George's University of London); PubMed 31727138 (cited by Labcorp Genetics (formerly Invitae), Labcorp).

NM_000020.3(ACVRL1):c.950T>C (p.Ile317Thr)

Gene: ACVRL1 (activin A receptor like type 1; plus strand). Cytogenetic location: 12q13.13.
Variant type: single nucleotide variant.
Coding change: c.950T>C on transcript NM_000020.3 (MANE Select); coding-DNA position 950, T replaced by C.
Protein change: p.Ile317Thr; replaces isoleucine 317 with threonine.
Molecular consequence: missense variant.
Genome position (GRCh38, 1-based): chr12:51,915,402, T>C. VCF-style: chr12-51915402-T-C. GRCh37 (hg19) VCF-style: chr12-52309186-T-C.
Other names: c.950T>C, p.Ile317Thr (NM_001077401.2); short protein forms I317T.
Identifiers: ClinVar variation 426021 (VCV000426021.13), dbSNP rs1085307413, ClinGen allele CA384901237.